The following is an entry in ClinVar:

NM_000179.3(MSH6):c.2566del (p.Ile856fs)

Gene: MSH6 (mutS homolog 6; plus strand). Cytogenetic location: 2p16.3.
Variant type: Deletion.
Coding change: c.2566del on transcript NM_000179.3 (MANE Select); coding-DNA position 2566, one base deleted (A; older notation c.2566delA).
Protein change: p.Ile856fs; shifts the reading frame from isoleucine 856.
Molecular consequence: frameshift variant. On other transcripts: non-coding transcript variant (5), intron variant (3).
Genome position (GRCh38, 1-based): chr2:47,800,549, A deleted. VCF-style (leftmost placement, unchanged base first): chr2-47800548-TA-T. GRCh37 (hg19) VCF-style: chr2-48027687-TA-T.
Other names: c.2176del, p.Ile726fs (NM_001281492.2); c.1660del, p.Ile554fs (NM_001281493.2, NM_001281494.2, NM_001406811.1 and 6 more transcripts); c.2662del, p.Ile888fs (NM_001406795.1, NM_001406802.1); c.2566del, p.Ile856fs (NM_001406796.1, NM_001406798.1, NM_001406800.1 and 2 more transcripts); c.2269del, p.Ile757fs (NM_001406797.1, NM_001406801.1, NM_001406805.1 and 10 more transcripts); c.2041del, p.Ile681fs (NM_001406799.1, NM_001406806.1, NM_001406807.1); c.2488del, p.Ile830fs (NM_001406804.1); c.2572del, p.Ile858fs (NM_001406813.1); and 4 more; short protein forms I554fs, I726fs, I800fs, I856fs, I888fs, I858fs, I681fs, I757fs.
Identifiers: ClinVar variation 3296356 (VCV003296356.1).

ClinVar aggregate classification (germline): Pathogenic (1 of 4 stars; one submission).

Conditions:
Hereditary cancer-predisposing syndrome. Also called: Tumor predisposition; Hereditary Cancer Syndrome; Hereditary neoplastic syndrome; Neoplastic Syndromes, Hereditary. Identifiers: Orphanet 140162, MedGen C0027672, MeSH D009386, MONDO:0015356.

Submission:

Ambry Genetics
Classification: Pathogenic for Hereditary cancer-predisposing syndrome. Last evaluated: 2024-03-27. Review status: criteria provided, single submitter. Criteria: Ambry Variant Classification Scheme 2023. Collection method: clinical testing. Allele origin: germline.
Comment: The c.2566delA variant, located in coding exon 4 of the MSH6 gene, results from a deletion of one nucleotide at nucleotide position 2566, causing a translational frameshift with a predicted alternate stop codon (p.I856Lfs*12). This variant is considered to be rare based on population cohorts in the Genome Aggregation Database (gnomAD). This alteration is expected to result in loss of function by premature protein truncation or nonsense-mediated mRNA decay. As such, this alteration is interpreted as a disease-causing mutation.